The following is an entry in ClinVar:

NM_016058.5(TPRKB):c.142-348G>A

Gene: TPRKB (TP53RK binding protein; minus strand). Cytogenetic location: 2p13.1.
Variant type: single nucleotide variant.
Coding change: c.142-348G>A on transcript NM_016058.5 (MANE Select); 348 bases into the intron before coding-DNA position 142, G replaced by A.
Molecular consequence: intron variant. On other transcripts: missense variant (3).
Genome position (GRCh38, 1-based): chr2:73,732,633, C>T on the plus strand (G>A on the coding strand, the complement: TPRKB is on the minus strand). VCF-style: chr2-73732633-C-T. GRCh37 (hg19) VCF-style: chr2-73959760-C-T.
Other names: c.209G>A, p.Arg70Gln (NM_001330386.2, NM_001330387.2); c.38G>A, p.Arg13Gln (NM_001330390.2); c.43-348G>A (NM_001330391.2, NM_001330392.2); c.142-348G>A (NM_001330389.2, NM_001330388.2); short protein forms R13Q, R70Q.
Identifiers: ClinVar variation 4533857 (VCV004533857.6).

ClinVar aggregate classification (germline): Benign (1 of 4 stars; one submission).

gnomAD v4.1: 601 of 182,390 alleles (0.33%); highest among the groups gnomAD compares: African/African-American, 1.3%; 4 homozygotes.

Submission:

CeGaT Center for Human Genetics Tuebingen
Classification: Benign. Last evaluated: 2025-10-01. Review status: criteria provided, single submitter. Criteria: CeGaT Center For Human Genetics Tuebingen Variant Classification Criteria Version 2. Collection method: clinical testing. Allele origin: germline. Affected: yes. Observed: 1 variant allele.
Comment: TPRKB: BP4, BS1, BS2